The following is an entry in ClinVar:

ClinVar aggregate classification (germline): Uncertain significance. Review status: criteria provided, multiple submitters, no conflicts (2 of 4 stars). 3 submissions from 3 submitters: Uncertain significance (3). Last evaluated 2025-07-23.

Conditions:
Hereditary cancer-predisposing syndrome. Also called: Hereditary Cancer Syndrome; Tumor predisposition; Hereditary neoplastic syndrome; Neoplastic Syndromes, Hereditary. Identifiers: Orphanet 140162, MedGen C0027672, MeSH D009386, MONDO:0015356.
Neuroblastoma, susceptibility to, 3. Also called: ALK-Related Neuroblastic Tumor Susceptibility. Identifiers: Orphanet 635, MedGen C2751681, MONDO:0013083, OMIM 613014.

Allele frequency attached by ClinVar (database versions not stated): gnomAD exomes below 0.00001; TOPMed 0.00002.
gnomAD v4.1: 2 of 1,614,150 alleles (0.00012%); highest among the groups gnomAD compares: Non-Finnish European, 0.00017%; no homozygotes.

Submissions (3):

Labcorp Genetics (formerly Invitae), Labcorp
Classification: Uncertain significance for Neuroblastoma, susceptibility to, 3. Last evaluated: 2025-07-23. Review status: criteria provided, single submitter. Criteria: Invitae Variant Classification Sherloc (09022015). Collection method: clinical testing. Allele origin: germline.
Comment: This sequence change replaces glutamic acid, which is acidic and polar, with alanine, which is neutral and non-polar, at codon 1400 of the ALK protein (p.Glu1400Ala). This variant is not present in population databases (gnomAD no frequency). This variant has not been reported in the literature in individuals affected with ALK-related conditions. ClinVar contains an entry for this variant (Variation ID: 1051905). An algorithm developed to predict the effect of missense changes on protein structure and function (PolyPhen-2) suggests that this variant is likely to be disruptive. In summary, the available evidence is currently insufficient to determine the role of this variant in disease. Therefore, it has been classified as a Variant of Uncertain Significance.

Ambry Genetics
Classification: Uncertain significance for Hereditary cancer-predisposing syndrome. Last evaluated: 2024-03-06. Review status: criteria provided, single submitter. Criteria: Ambry Variant Classification Scheme 2023. Collection method: clinical testing. Allele origin: germline.
Comment: The p.E1400A variant (also known as c.4199A>C), located in coding exon 29 of the ALK gene, results from an A to C substitution at nucleotide position 4199. The glutamic acid at codon 1400 is replaced by alanine, an amino acid with dissimilar properties. This amino acid position is conserved. In addition, this alteration is predicted to be deleterious by in silico analysis. Since supporting evidence is limited at this time, the clinical significance of this alteration remains unclear.

Baylor Genetics
Classification: Uncertain significance for Neuroblastoma, susceptibility to, 3. Last evaluated: 2024-02-28. Review status: criteria provided, single submitter. Criteria: ACMG Guidelines, 2015. Collection method: clinical testing. Allele origin: unknown.

NM_004304.5(ALK):c.4199A>C (p.Glu1400Ala)

Gene: ALK (ALK receptor tyrosine kinase; minus strand). Cytogenetic location: 2p23.2.
Variant type: single nucleotide variant.
Coding change: c.4199A>C on transcript NM_004304.5 (MANE Select); coding-DNA position 4199, A replaced by C.
Protein change: p.Glu1400Ala; replaces glutamic acid 1400 with alanine.
Molecular consequence: missense variant.
Genome position (GRCh38, 1-based): chr2:29,193,888, T>G on the plus strand (A>C on the coding strand, the complement: ALK is on the minus strand). VCF-style: chr2-29193888-T-G. GRCh37 (hg19) VCF-style: chr2-29416754-T-G.
Other names: c.995A>C, p.Glu332Ala (NM_001353765.2); short protein forms E1400A, E332A.
Identifiers: ClinVar variation 1051905 (VCV001051905.13), dbSNP rs978004615, ClinGen allele CA44635280.